The following is an entry in ClinVar:

NM_004006.3(DMD):c.967G>C (p.Glu323Gln)

Gene: DMD (dystrophin; minus strand). Cytogenetic location: Xp21.1.
Variant type: single nucleotide variant.
Coding change: c.967G>C on transcript NM_004006.3 (MANE Select); coding-DNA position 967, G replaced by C.
Protein change: p.Glu323Gln; replaces glutamic acid 323 with glutamine.
Molecular consequence: missense variant.
Genome position (GRCh38, 1-based): chrX:32,645,146, C>G on the plus strand (G>C on the coding strand, the complement: DMD is on the minus strand). VCF-style: chrX-32645146-C-G. GRCh37 (hg19) VCF-style: chrX-32663263-C-G.
Other names: c.943G>C, p.Glu315Gln (NM_000109.4); c.955G>C, p.Glu319Gln (NM_004009.3); c.598G>C, p.Glu200Gln (NM_004010.3); short protein forms E200Q, E319Q, E315Q, E323Q.
Identifiers: ClinVar variation 3634867 (VCV003634867.2).

ClinVar aggregate classification (germline): Uncertain significance (1 of 4 stars; one submission).

Conditions:
Duchenne muscular dystrophy (DMD). Also called: MUSCULAR DYSTROPHY, PSEUDOHYPERTROPHIC PROGRESSIVE, DUCHENNE TYPE; Duchenne Muscular Dystrophy (DMD). Identifiers: Orphanet 98896, MedGen C0013264, MONDO:0010679, OMIM 310200.

Submission:

Labcorp Genetics (formerly Invitae), Labcorp
Classification: Uncertain significance for Duchenne muscular dystrophy. Last evaluated: 2024-09-12. Review status: criteria provided, single submitter. Criteria: Invitae Variant Classification Sherloc (09022015). Collection method: clinical testing. Allele origin: germline.
Comment: This sequence change replaces glutamic acid, which is acidic and polar, with glutamine, which is neutral and polar, at codon 323 of the DMD protein (p.Glu323Gln). This variant is not present in population databases (gnomAD no frequency). This variant has not been reported in the literature in individuals affected with DMD-related conditions. Invitae Evidence Modeling of protein sequence and biophysical properties (such as structural, functional, and spatial information, amino acid conservation, physicochemical variation, residue mobility, and thermodynamic stability) indicates that this missense variant is not expected to disrupt DMD protein function with a negative predictive value of 95%. In summary, the available evidence is currently insufficient to determine the role of this variant in disease. Therefore, it has been classified as a Variant of Uncertain Significance.